The following is an entry in ClinVar:

NM_000531.6(OTC):c.298+2T>C

Gene: OTC (ornithine transcarbamylase; plus strand). Cytogenetic location: Xp11.4.
Variant type: single nucleotide variant.
Coding change: c.298+2T>C on transcript NM_000531.6 (MANE Select); the canonical splice donor site of the intron after coding-DNA position 298, T replaced by C.
Molecular consequence: splice donor variant.
Genome position (GRCh38, 1-based): chrX:38,369,879, T>C. VCF-style: chrX-38369879-T-C. GRCh37 (hg19) VCF-style: chrX-38229132-T-C.
Other names: c.298+2T>C (NM_000531.5, NM_001407092.1).
Identifiers: ClinVar variation 2677426 (VCV002677426.3), dbSNP rs1555972538, ClinGen allele CA412717047.

ClinVar aggregate classification (germline): Conflicting classifications of pathogenicity. Review status: criteria provided, conflicting classifications (1 of 4 stars). 3 submissions from 3 submitters: Pathogenic (1); Likely pathogenic (1); Uncertain significance (1). Last evaluated 2024-10-31.

Conditions:
Ornithine carbamoyltransferase deficiency (OTCD). Also called: ORNITHINE TRANSCARBAMYLASE DEFICIENCY; ORNITHINE TRANSCARBAMYLASE DEFICIENCY, HYPERAMMONEMIA DUE TO; OTC DEFICIENCY; Ornithine Carbamoyltransferase Deficiency Disease. Identifiers: Orphanet 664, MedGen C0268542, MONDO:0010703, OMIM 311250.
Inborn genetic diseases. Identifiers: MedGen C0950123, MeSH D030342.

Submissions (3):

GeneDx
Classification: Pathogenic. Last evaluated: 2024-10-31. Review status: criteria provided, single submitter. Criteria: GeneDx Variant Classification Process June 2021. Collection method: clinical testing. Allele origin: germline. Affected: yes.
Comment: Has not been previously published as pathogenic or benign to our knowledge; Canonical splice site variant predicted to result in a null allele in a gene for which loss of function is a known mechanism of disease; Not observed at significant frequency in large population cohorts (gnomAD); This variant is associated with the following publications: (PMID: 31415401)

Ambry Genetics
Classification: Uncertain significance for Inborn genetic diseases. Last evaluated: 2024-06-18. Review status: criteria provided, single submitter. Criteria: Ambry Variant Classification Scheme 2023. Collection method: clinical testing. Allele origin: germline.
Comment: The c.298+2T>C intronic variant results from a T to C substitution two nucleotides after coding exon 3 of the OTC gene. Alterations that disrupt the canonical splice site are expected to cause aberrant splicing, resulting in an abnormal protein or a transcript that is subject to nonsense-mediated mRNA decay; however, +2T>C alterations are capable of generating wild-type transcripts in some genomic contexts and should be interpreted with caution (Lin, 2019). This variant was not reported in population-based cohorts in the Genome Aggregation Database (gnomAD). This nucleotide position is well conserved in available vertebrate species. In silico splice site analysis predicts that this alteration will weaken the native splice donor site. Based on insufficient or conflicting evidence, the clinical significance of this alteration remains unclear.

Baylor Genetics
Classification: Likely pathogenic for Ornithine carbamoyltransferase deficiency. Last evaluated: 2023-05-03. Review status: criteria provided, single submitter. Criteria: ACMG Guidelines, 2015. Collection method: clinical testing. Allele origin: unknown.

Literature cited by the submitters: PubMed 31131953 (cited by Ambry Genetics).